The following is an entry in ClinVar:

ClinVar aggregate classification (germline): Uncertain significance (1 of 4 stars; one submission).

Conditions:
Neurodevelopmental disorder with hypotonia, stereotypic hand movements, and impaired language. Also called: Intellectual disability, autosomal dominant 20. Identifiers: Orphanet 228384, Orphanet 664410, MedGen C3150700, MONDO:0013266, OMIM 613443.

Submission:

Institute of Human Genetics, Clinical Exome/Genome Diagnostics Group, University Hospital Bonn
Classification: Uncertain significance for Neurodevelopmental disorder with hypotonia, stereotypic hand movements, and impaired language. Last evaluated: 2021-08-19. Review status: criteria provided, single submitter. Criteria: ACMG Guidelines, 2015. Collection method: clinical testing. Allele origin: germline. Affected: yes.
Comment: PM2, PP2, PP3, BS2

NM_002397.5(MEF2C):c.119A>G (p.Asp40Gly)

Gene: MEF2C (myocyte enhancer factor 2C; minus strand). Cytogenetic location: 5q14.3.
Variant type: single nucleotide variant.
Coding change: c.119A>G on transcript NM_002397.5 (MANE Select); coding-DNA position 119, A replaced by G.
Protein change: p.Asp40Gly; replaces aspartic acid 40 with glycine.
Molecular consequence: missense variant.
Genome position (GRCh38, 1-based): chr5:88,804,737, T>C on the plus strand (A>G on the coding strand, the complement: MEF2C is on the minus strand). VCF-style: chr5-88804737-T-C. GRCh37 (hg19) VCF-style: chr5-88100554-T-C.
Other names: c.119A>G, p.Asp40Gly (NM_001131005.2, NM_001193347.1, NM_001193348.1 and 29 more transcripts); short protein forms D40G.
Identifiers: ClinVar variation 1343275 (VCV001343275.1), dbSNP rs2153074606, ClinGen allele CA360425084.